The following is an entry in ClinVar:

ClinVar aggregate classification (germline): Uncertain significance (1 of 4 stars; one submission).

Conditions:
Atrial fibrillation, familial, 7 (ATFB7). Identifiers: MedGen C2677106, MONDO:0012828, OMIM 612240.

gnomAD v4.1: 21 of 1,614,046 alleles (0.0013%); highest among the groups gnomAD compares: African/African-American, 0.0093%; no homozygotes.

Submission:

Labcorp Genetics (formerly Invitae), Labcorp
Classification: Uncertain significance for Atrial fibrillation, familial, 7. Last evaluated: 2025-11-09. Review status: criteria provided, single submitter. Criteria: Invitae Variant Classification Sherloc (09022015). Collection method: clinical testing. Allele origin: germline.
Comment: This sequence change replaces valine, which is neutral and non-polar, with alanine, which is neutral and non-polar, at codon 491 of the KCNA5 protein (p.Val491Ala). This variant is present in population databases (rs371569271, gnomAD 0.02%). This missense change has been observed in individual(s) with KCNA5-related conditions (PMID: 31727138). ClinVar contains an entry for this variant (Variation ID: 3632358). Invitae Evidence Modeling of protein sequence and biophysical properties (such as structural, functional, and spatial information, amino acid conservation, physicochemical variation, residue mobility, and thermodynamic stability) indicates that this missense variant is not expected to disrupt KCNA5 protein function with a negative predictive value of 80%. In summary, the available evidence is currently insufficient to determine the role of this variant in disease. Therefore, it has been classified as a Variant of Uncertain Significance.

Literature cited by the submitters: PubMed 31727138.

NM_002234.4(KCNA5):c.1472T>C (p.Val491Ala)

Gene: KCNA5 (potassium voltage-gated channel subfamily A member 5; plus strand). Cytogenetic location: 12p13.32.
Variant type: single nucleotide variant.
Coding change: c.1472T>C on transcript NM_002234.4 (MANE Select); coding-DNA position 1472, T replaced by C.
Protein change: p.Val491Ala; replaces valine 491 with alanine.
Molecular consequence: missense variant.
Genome position (GRCh38, 1-based): chr12:5,045,619, T>C. VCF-style: chr12-5045619-T-C. GRCh37 (hg19) VCF-style: chr12-5154785-T-C.
Other names: short protein forms V491A.
Identifiers: ClinVar variation 3632358 (VCV003632358.2).
Genomic context (GRCh38, chr12:5,045,619, plus strand): 5'-TCTGGTGGGCAGTGGTCACCATGACCACTGTGGGCTACGGGGACATGAGGCCCATCACTG[T>C]TGGGGGCAAGATCGTGGGCTCGCTGTGTGCCATCGCCGGGGTCCTCACCATTGCCCTGCC-3'
Protein context (NP_002225.2, residues 481-501): VGYGDMRPIT[Val491Ala]GGKIVGSLCA